The following is an entry in ClinVar:

ClinVar aggregate classification (germline): Uncertain significance (1 of 4 stars; one submission).

gnomAD v4.1: 1 of 1,593,202 alleles (0.000063%); highest among the groups gnomAD compares: South Asian, 0.0011%; no homozygotes.

Submission:

Labcorp Genetics (formerly Invitae), Labcorp
Classification: Uncertain significance. Last evaluated: 2024-01-20. Review status: criteria provided, single submitter. Criteria: Invitae Variant Classification Sherloc (09022015). Collection method: clinical testing. Allele origin: germline.
Comment: This sequence change replaces serine, which is neutral and polar, with tryptophan, which is neutral and slightly polar, at codon 497 of the NOTCH3 protein (p.Ser497Trp). This variant is present in population databases (no rsID available, gnomAD 0.004%). This variant has not been reported in the literature in individuals affected with NOTCH3-related conditions. An algorithm developed to predict the effect of missense changes on protein structure and function (PolyPhen-2) suggests that this variant is likely to be disruptive. In summary, the available evidence is currently insufficient to determine the role of this variant in disease. Therefore, it has been classified as a Variant of Uncertain Significance.

NM_000435.3(NOTCH3):c.1490C>G (p.Ser497Trp)

Gene: NOTCH3 (notch receptor 3; minus strand). Cytogenetic location: 19p13.12.
Variant type: single nucleotide variant.
Coding change: c.1490C>G on transcript NM_000435.3 (MANE Select); coding-DNA position 1490, C replaced by G.
Protein change: p.Ser497Trp; replaces serine 497 with tryptophan.
Molecular consequence: missense variant.
Genome position (GRCh38, 1-based): chr19:15,188,237, G>C on the plus strand (C>G on the coding strand, the complement: NOTCH3 is on the minus strand). VCF-style: chr19-15188237-G-C. GRCh37 (hg19) VCF-style: chr19-15299048-G-C.
Other names: short protein forms S497W.
Identifiers: ClinVar variation 2847856 (VCV002847856.3), dbSNP rs114207045, ClinGen allele CA404526717.